The following is an entry in ClinVar:

ClinVar aggregate classification (germline): Uncertain significance (1 of 4 stars; one submission).

Conditions:
Amyloidosis, hereditary systemic 1 (AMYLD1). Also called: Hereditary oculoleptomeningeal amyloid angiopathy; Familial Transthyretin Amyloidosis; Familial amyloid polyneuropathy; Transthyretin Amyloidosis; AMYLOID CARDIOMYOPATHY; Hereditary Transthyretin Amyloidosis. Identifiers: Orphanet 85447, Orphanet 85451, MedGen C2751492, MONDO:0971004, OMIM 105210.

Submission:

Labcorp Genetics (formerly Invitae), Labcorp
Classification: Uncertain significance for Amyloidosis, hereditary systemic 1. Last evaluated: 2021-08-04. Review status: criteria provided, single submitter. Criteria: Invitae Variant Classification Sherloc (09022015). Collection method: clinical testing. Allele origin: germline.
Comment: In summary, the available evidence is currently insufficient to determine the role of this variant in disease. Therefore, it has been classified as a Variant of Uncertain Significance. Algorithms developed to predict the effect of missense changes on protein structure and function are either unavailable or do not agree on the potential impact of this missense change (SIFT: "Not Available"; PolyPhen-2: "Benign"; Align-GVGD: "Not Available"). This variant has not been reported in the literature in individuals affected with TTR-related conditions. This variant is not present in population databases (ExAC no frequency). This sequence change replaces histidine with glutamine at codon 4 of the TTR protein (p.His4Gln). The histidine residue is weakly conserved and there is a small physicochemical difference between histidine and glutamine.

NM_000371.4(TTR):c.12T>A (p.His4Gln)

Gene: TTR (transthyretin; plus strand). Cytogenetic location: 18q12.1.
Variant type: single nucleotide variant.
Coding change: c.12T>A on transcript NM_000371.4 (MANE Select); coding-DNA position 12, T replaced by A.
Protein change: p.His4Gln; replaces histidine 4 with glutamine.
Molecular consequence: missense variant.
Genome position (GRCh38, 1-based): chr18:31,591,914, T>A. VCF-style: chr18-31591914-T-A. GRCh37 (hg19) VCF-style: chr18-29171877-T-A.
Other names: short protein forms H4Q.
Identifiers: ClinVar variation 1471008 (VCV001471008.6), dbSNP rs2144405297, ClinGen allele CA402156263.